The following is an entry in ClinVar:

ClinVar aggregate classification (germline): Uncertain significance (1 of 4 stars; one submission).

Allele frequency attached by ClinVar (database versions not stated): gnomAD exomes below 0.00001.

Submission:

Labcorp Genetics (formerly Invitae), Labcorp
Classification: Uncertain significance. Last evaluated: 2025-09-07. Review status: criteria provided, single submitter. Criteria: Invitae Variant Classification Sherloc (09022015). Collection method: clinical testing. Allele origin: germline.
Comment: This sequence change replaces methionine, which is neutral and non-polar, with isoleucine, which is neutral and non-polar, at codon 172 of the RORB protein (p.Met172Ile). This variant is present in population databases (no rsID available, gnomAD 0.007%). This variant has not been reported in the literature in individuals affected with RORB-related conditions. ClinVar contains an entry for this variant (Variation ID: 1973195). An algorithm developed to predict the effect of missense changes on protein structure and function (PolyPhen-2) suggests that this variant is likely to be tolerated. In summary, the available evidence is currently insufficient to determine the role of this variant in disease. Therefore, it has been classified as a Variant of Uncertain Significance.

NM_006914.4(RORB):c.516G>C (p.Met172Ile)

Gene: RORB (RAR related orphan receptor B; plus strand). Cytogenetic location: 9q21.13.
Variant type: single nucleotide variant.
Coding change: c.516G>C on transcript NM_006914.4 (MANE Select); coding-DNA position 516, G replaced by C.
Protein change: p.Met172Ile; replaces methionine 172 with isoleucine.
Molecular consequence: missense variant.
Genome position (GRCh38, 1-based): chr9:74,642,694, G>C. VCF-style: chr9-74642694-G-C. GRCh37 (hg19) VCF-style: chr9-77257610-G-C.
Other names: c.549G>C, p.Met183Ile (NM_001365023.1); short protein forms M172I, M183I.
Identifiers: ClinVar variation 1973195 (VCV001973195.5), dbSNP rs1486951638, ClinGen allele CA373770027.